The following is an entry in ClinVar:

NM_019892.6(INPP5E):c.14C>A (p.Ala5Glu)

Gene: INPP5E (inositol polyphosphate-5-phosphatase E; minus strand). Cytogenetic location: 9q34.3.
Variant type: single nucleotide variant.
Coding change: c.14C>A on transcript NM_019892.6 (MANE Select); coding-DNA position 14, C replaced by A.
Protein change: p.Ala5Glu; replaces alanine 5 with glutamic acid.
Molecular consequence: missense variant.
Genome position (GRCh38, 1-based): chr9:136,439,406, G>T on the plus strand (C>A on the coding strand, the complement: INPP5E is on the minus strand). VCF-style: chr9-136439406-G-T. GRCh37 (hg19) VCF-style: chr9-139333858-G-T.
Other names: c.14C>A, p.Ala5Glu (NM_001318502.2); c.14C>A (NM_019892.5); short protein forms A5E.
Identifiers: ClinVar variation 2162838 (VCV002162838.5), dbSNP rs939098268, ClinGen allele CA201649507.

ClinVar aggregate classification (germline): Uncertain significance. Review status: criteria provided, multiple submitters, no conflicts (2 of 4 stars). 2 submissions from 2 submitters: Uncertain significance (2). Last evaluated 2025-08-07.

Conditions:
INPP5E-related disorder. Also called: INPP5E-related condition.
Joubert syndrome. Also called: JOUBERT-BOLTSHAUSER SYNDROME; Familial aplasia of the vermis. Identifiers: Orphanet 475, MedGen C5979921, MONDO:0018772.

Allele frequency attached by ClinVar (database versions not stated): gnomAD exomes 0.00002.
gnomAD v4.1: 25 of 1,466,814 alleles (0.0017%); highest among the groups gnomAD compares: Non-Finnish European, 0.0022%; no homozygotes.

Submissions (2):

PreventionGenetics, part of Exact Sciences
Classification: Uncertain significance for INPP5E-related condition. Last evaluated: 2025-08-07. Review status: criteria provided, single submitter. Criteria: ACMG Guidelines, 2015. Collection method: clinical testing. Allele origin: germline.
Comment: The INPP5E c.14C>A variant is predicted to result in the amino acid substitution p.Ala5Glu. To our knowledge, this variant has not been reported in the literature or in a large population database (gnomAD), indicating this variant is rare. At this time, the clinical significance of this variant is uncertain due to the absence of conclusive functional and genetic evidence.

Labcorp Genetics (formerly Invitae), Labcorp
Classification: Uncertain significance for Joubert syndrome. Last evaluated: 2023-07-21. Review status: criteria provided, single submitter. Criteria: Invitae Variant Classification Sherloc (09022015). Collection method: clinical testing. Allele origin: germline.
Comment: In summary, the available evidence is currently insufficient to determine the role of this variant in disease. Therefore, it has been classified as a Variant of Uncertain Significance. Advanced modeling of protein sequence and biophysical properties (such as structural, functional, and spatial information, amino acid conservation, physicochemical variation, residue mobility, and thermodynamic stability) has been performed at Invitae for this missense variant, however the output from this modeling did not meet the statistical confidence thresholds required to predict the impact of this variant on INPP5E protein function. ClinVar contains an entry for this variant (Variation ID: 2162838). This variant has not been reported in the literature in individuals affected with INPP5E-related conditions. This variant is not present in population databases (gnomAD no frequency). This sequence change replaces alanine, which is neutral and non-polar, with glutamic acid, which is acidic and polar, at codon 5 of the INPP5E protein (p.Ala5Glu).